The following is an entry in ClinVar:

NM_133259.4(LRPPRC):c.3815C>G (p.Ala1272Gly)

Gene: LRPPRC (leucine rich pentatricopeptide repeat containing; minus strand). Cytogenetic location: 2p21.
Variant type: single nucleotide variant.
Coding change: c.3815C>G on transcript NM_133259.4 (MANE Select); coding-DNA position 3815, C replaced by G.
Protein change: p.Ala1272Gly; replaces alanine 1272 with glycine.
Molecular consequence: missense variant.
Genome position (GRCh38, 1-based): chr2:43,899,229, G>C on the plus strand (C>G on the coding strand, the complement: LRPPRC is on the minus strand). VCF-style: chr2-43899229-G-C. GRCh37 (hg19) VCF-style: chr2-44126368-G-C.
Other names: short protein forms A1272G.
Identifiers: ClinVar variation 1305306 (VCV001305306.5), dbSNP rs370011265, ClinGen allele CA1637940.

ClinVar aggregate classification (germline): Uncertain significance. Review status: criteria provided, multiple submitters, no conflicts (2 of 4 stars). 2 submissions from 2 submitters: Uncertain significance (2). Last evaluated 2022-03-10.

Allele frequency attached by ClinVar (database versions not stated): gnomAD exomes below 0.00001 and 0.00002; ExAC 0.00002; gnomAD 0.00002 and 0.00003; TOPMed 0.00003; ESP Exome Variant Server 0.00008.
gnomAD v4.1: 32 of 1,612,982 alleles (0.002%); highest among the groups gnomAD compares: Non-Finnish European, 0.0027%; no homozygotes.

Submissions (2):

Labcorp Genetics (formerly Invitae), Labcorp
Classification: Uncertain significance. Last evaluated: 2022-03-10. Review status: criteria provided, single submitter. Criteria: Invitae Variant Classification Sherloc (09022015). Collection method: clinical testing. Allele origin: germline.
Comment: This sequence change replaces alanine, which is neutral and non-polar, with glycine, which is neutral and non-polar, at codon 1272 of the LRPPRC protein (p.Ala1272Gly). This variant is present in population databases (rs370011265, gnomAD 0.002%). This variant has not been reported in the literature in individuals affected with LRPPRC-related conditions. ClinVar contains an entry for this variant (Variation ID: 1305306). Algorithms developed to predict the effect of missense changes on protein structure and function are either unavailable or do not agree on the potential impact of this missense change (SIFT: "Tolerated"; PolyPhen-2: "Possibly Damaging"; Align-GVGD: "Class C0"). In summary, the available evidence is currently insufficient to determine the role of this variant in disease. Therefore, it has been classified as a Variant of Uncertain Significance.

GeneDx
Classification: Uncertain significance. Last evaluated: 2020-07-14. Review status: criteria provided, single submitter. Criteria: GeneDx Variant Classification Process June 2021. Collection method: clinical testing. Allele origin: germline. Affected: yes.
Comment: Not observed at a significant frequency in large population cohorts (Lek et al., 2016); In silico analysis, which includes protein predictors and evolutionary conservation, supports a deleterious effect; Has not been previously published as pathogenic or benign to our knowledge